The following is an entry in ClinVar:

ClinVar aggregate classification (germline): Uncertain significance (1 of 4 stars; one submission).

Allele frequency attached by ClinVar (database versions not stated): gnomAD exomes below 0.00001; gnomAD 0.00001.
gnomAD v4.1: 11 of 1,604,810 alleles (0.00069%); highest among the groups gnomAD compares: African/African-American, 0.008%; no homozygotes.

Submission:

Labcorp Genetics (formerly Invitae), Labcorp
Classification: Uncertain significance. Last evaluated: 2022-09-27. Review status: criteria provided, single submitter. Criteria: Invitae Variant Classification Sherloc (09022015). Collection method: clinical testing. Allele origin: germline.
Comment: In summary, the available evidence is currently insufficient to determine the role of this variant in disease. Therefore, it has been classified as a Variant of Uncertain Significance. Algorithms developed to predict the effect of missense changes on protein structure and function output the following: SIFT: "Tolerated"; PolyPhen-2: "Benign"; Align-GVGD: "Class C0". The leucine amino acid residue is found in multiple mammalian species, which suggests that this missense change does not adversely affect protein function. This variant has not been reported in the literature in individuals affected with LAT-related conditions. This variant is not present in population databases (gnomAD no frequency). This sequence change replaces proline, which is neutral and non-polar, with leucine, which is neutral and non-polar, at codon 66 of the LAT protein (p.Pro66Leu).

NM_001014987.2(LAT):c.197C>T (p.Pro66Leu)

Gene: LAT (linker for activation of T cells; plus strand). Cytogenetic location: 16p11.2.
Variant type: single nucleotide variant.
Coding change: c.197C>T on transcript NM_001014987.2 (MANE Select); coding-DNA position 197, C replaced by T.
Protein change: p.Pro66Leu; replaces proline 66 with leucine.
Molecular consequence: missense variant.
Genome position (GRCh38, 1-based): chr16:28,986,168, C>T. VCF-style: chr16-28986168-C-T. GRCh37 (hg19) VCF-style: chr16-28997489-C-T.
Other names: c.197C>T, p.Pro66Leu (NM_001014988.2, NM_014387.4); c.305C>T, p.Pro102Leu (NM_001014989.2); short protein forms P66L, P102L.
Identifiers: ClinVar variation 1940228 (VCV001940228.5), dbSNP rs1596767543, ClinGen allele CA395440034.